The following is an entry in ClinVar:

ClinVar aggregate classification (germline): Benign (1 of 4 stars; one submission).

Conditions:
Juvenile polyposis syndrome (JPS). Identifiers: Orphanet 2929, MedGen C0345893, MONDO:0017380, OMIM 174900.

Submission:

Myriad Genetics, Inc.
Classification: Benign for Juvenile polyposis syndrome. Last evaluated: 2024-07-31. Review status: criteria provided, single submitter. Criteria: Myriad Autosomal Dominant, Autosomal Recessive and X-Linked Classification Criteria (2023). Collection method: clinical testing. Allele origin: unknown.
Comment: This variant is considered benign. This variant is a silent/synonymous amino acid change and it is not expected to impact splicing.

NM_004329.3(BMPR1A):c.117C>A (p.Ser39=)

Gene: BMPR1A (bone morphogenetic protein receptor type 1A; plus strand). Cytogenetic location: 10q23.2.
Variant type: single nucleotide variant.
Coding change: c.117C>A on transcript NM_004329.3 (MANE Select); coding-DNA position 117, C replaced by A.
Protein change: p.Ser39=; no amino-acid change (serine 39 retained).
Molecular consequence: synonymous variant. On other transcripts: non-coding transcript variant (3).
Genome position (GRCh38, 1-based): chr10:86,890,111, C>A. VCF-style: chr10-86890111-C-A. GRCh37 (hg19) VCF-style: chr10-88649868-C-A.
Other names: c.33C>A, p.Ser11= (NM_001406586.1, NM_001406587.1, NM_001406588.1 and 2 more transcripts); c.117C>A, p.Ser39= (NM_001406589.1, NM_001406559.1, NM_001406560.1 and 23 more transcripts).
Identifiers: ClinVar variation 3379368 (VCV003379368.1).
Genomic context (GRCh38, chr10:86,890,111, plus strand): 5'-TTTGAATGCAGGACAGAATCTGGATAGTATGCTTCATGGCACTGGGATGAAATCAGACTC[C>A]GACCAGAAAAAGTCAGAAAATGGAGTAACCTTAGCACCAGAGGATACCTTGCCTTTTTTA-3'
Protein context (NP_004320.2, residues 29-49): MLHGTGMKSD[Ser39=]DQKKSENGVT